The following is an entry in ClinVar:

ClinVar aggregate classification (germline): Uncertain significance (1 of 4 stars; one submission).

Conditions:
Tuberous sclerosis 2 (TSC2). Identifiers: Orphanet 805, MedGen C1860707, MONDO:0013199, OMIM 613254.

Submission:

Labcorp Genetics (formerly Invitae), Labcorp
Classification: Uncertain significance for Tuberous sclerosis 2. Last evaluated: 2022-10-17. Review status: criteria provided, single submitter. Criteria: Invitae Variant Classification Sherloc (09022015). Collection method: clinical testing. Allele origin: germline.
Comment: Advanced modeling of protein sequence and biophysical properties (such as structural, functional, and spatial information, amino acid conservation, physicochemical variation, residue mobility, and thermodynamic stability) performed at Invitae indicates that this missense variant is not expected to disrupt TSC2 protein function. In summary, the available evidence is currently insufficient to determine the role of this variant in disease. Therefore, it has been classified as a Variant of Uncertain Significance. ClinVar contains an entry for this variant (Variation ID: 570127). This variant has not been reported in the literature in individuals affected with TSC2-related conditions. This variant is not present in population databases (gnomAD no frequency). This sequence change replaces arginine, which is basic and polar, with leucine, which is neutral and non-polar, at codon 537 of the TSC2 protein (p.Arg537Leu).

NM_000548.5(TSC2):c.1610G>T (p.Arg537Leu)

Gene: TSC2 (TSC complex subunit 2; plus strand). Cytogenetic location: 16p13.3.
Variant type: single nucleotide variant.
Coding change: c.1610G>T on transcript NM_000548.5 (MANE Select); coding-DNA position 1610, G replaced by T.
Protein change: p.Arg537Leu; replaces arginine 537 with leucine.
Molecular consequence: missense variant.
Genome position (GRCh38, 1-based): chr16:2,065,529, G>T. VCF-style: chr16-2065529-G-T. GRCh37 (hg19) VCF-style: chr16-2115530-G-T.
Other names: c.1610G>T, p.Arg537Leu (NM_001077183.3, NM_001114382.3, NM_001363528.2 and 3 more transcripts); c.1499G>T, p.Arg500Leu (NM_001318827.2); c.1463G>T, p.Arg488Leu (NM_001318829.2); c.1010G>T, p.Arg337Leu (NM_001318831.2); c.1643G>T, p.Arg548Leu (NM_001318832.2); short protein forms R537L, R337L, R488L, R548L, R500L.
Identifiers: ClinVar variation 570127 (VCV000570127.8), dbSNP rs372681603, ClinGen allele CA394267597.